The following is an entry in ClinVar:

NM_000091.5(COL4A3):c.2282G>A (p.Arg761Lys)

Genes: MFF-DT (MFF divergent transcript; minus strand), COL4A3 (collagen type IV alpha 3 chain; plus strand). Cytogenetic location: 2q36.3.
Variant type: single nucleotide variant.
Coding change: c.2282G>A on transcript NM_000091.5 (MANE Select); coding-DNA position 2282, G replaced by A.
Protein change: p.Arg761Lys; replaces arginine 761 with lysine.
Molecular consequence: missense variant.
Genome position (GRCh38, 1-based): chr2:227,280,498, G>A. VCF-style: chr2-227280498-G-A. GRCh37 (hg19) VCF-style: chr2-228145214-G-A.
Other names: short protein forms R761K.
Identifiers: ClinVar variation 809179 (VCV000809179.53), dbSNP rs747356302, ClinGen allele CA2146910.

ClinVar aggregate classification (germline): Conflicting classifications of pathogenicity. Review status: criteria provided, conflicting classifications (1 of 4 stars). 8 submissions from 7 submitters: Uncertain significance (5); Likely benign (2). 1 of the submissions does not count toward it. Last evaluated 2024-07-09.

Conditions:
COL4A3-related disorder. Also called: COL4A3-Related Disorders; COL4A3-related condition.
Autosomal recessive Alport syndrome (ATS2). Also called: COL4A4 Alport Syndrome and Thin Basement Membrane Nephropathy; Alport syndrome type 2; ALPORT SYNDROME 2, AUTOSOMAL RECESSIVE; COL4A3-Related Nephropathy. Identifiers: Orphanet 63, Orphanet 88919, MedGen C4746745, MONDO:0008762, OMIM 203780.
Autosomal dominant Alport syndrome (ATS3A). Also called: Alport syndrome dominant type; Renal failure and sensorineural hearing loss; ALPORT SYNDROME 3A, AUTOSOMAL DOMINANT. Identifiers: Orphanet 63, Orphanet 88918, MedGen C5882663, MONDO:0007086, OMIM 104200.
Inborn genetic diseases. Identifiers: MedGen C0950123, MeSH D030342.
Alport syndrome. Also called: Hemorrhagic familial nephritis; Hemorrhagic hereditary nephritis; Congenital hereditary hematuria. Identifiers: Orphanet 63, MedGen C1567741, MONDO:0018965.

Allele frequency attached by ClinVar (database versions not stated): ExAC 0.00002; gnomAD 0.00004 and 0.00005; gnomAD exomes 0.00005; TOPMed 0.00007.
gnomAD v4.1: 82 of 1,614,058 alleles (0.0051%); highest among the groups gnomAD compares: Middle Eastern, 0.082%; no homozygotes.

Submissions (8):

Blueprint Genetics
Classification: Likely benign. Last evaluated: 2024-07-09. Review status: criteria provided, single submitter. Criteria: ACMG Guidelines, 2015. Collection method: clinical testing. Allele origin: germline.

Ambry Genetics
Classification: Uncertain significance for Inborn genetic diseases. Last evaluated: 2022-06-27. Review status: criteria provided, single submitter. Criteria: Ambry Variant Classification Scheme 2023. Collection method: clinical testing. Allele origin: germline.

GeneDx
Classification: Uncertain significance. Last evaluated: 2022-04-19. Review status: criteria provided, single submitter. Criteria: GeneDx Variant Classification Process June 2021. Collection method: clinical testing. Allele origin: germline. Affected: yes.
Comment: In silico analysis supports that this missense variant does not alter protein structure/function; Occurs in the triple helical domain at the Y position in the canonical Gly-X-Y repeat; although this variant may have an effect on normal protein folding and function, missense substitution at the Y position is not a common mechanism of disease; Has not been previously published as pathogenic or benign to our knowledge

Genome-Nilou Lab
Classification: Uncertain significance for Autosomal recessive Alport syndrome. Last evaluated: 2021-07-14. Review status: criteria provided, single submitter. Criteria: ACMG Guidelines, 2015. Collection method: clinical testing. Allele origin: germline. Affected: no.

Genome-Nilou Lab
Classification: Uncertain significance for Autosomal dominant Alport syndrome. Last evaluated: 2021-07-14. Review status: criteria provided, single submitter. Criteria: ACMG Guidelines, 2015. Collection method: clinical testing. Allele origin: germline. Affected: no.

Illumina Laboratory Services, Illumina
Classification: Uncertain significance for Alport syndrome. Last evaluated: 2018-02-02. Review status: criteria provided, single submitter. Criteria: ICSL Variant Classification Criteria 13 December 2019. Collection method: clinical testing. Allele origin: germline.

CeGaT Center for Human Genetics Tuebingen
Classification: Likely benign. Last evaluated: 2017-10-01. Review status: criteria provided, single submitter. Criteria: CeGaT Center For Human Genetics Tuebingen Variant Classification Criteria Version 2. Collection method: clinical testing. Allele origin: germline. Affected: yes. Observed: 1 variant allele.

PreventionGenetics, part of Exact Sciences
Classification: Uncertain significance for COL4A3-related condition. Last evaluated: 2024-09-02. Review status: no assertion criteria provided. Collection method: clinical testing. Allele origin: germline. Not counted in ClinVar's aggregate classification.
Comment: The COL4A3 c.2282G>A variant is predicted to result in the amino acid substitution p.Arg761Lys. To our knowledge, this variant has not been reported in the literature. This variant is reported in 0.0093% of alleles in individuals of European (Non-Finnish) descent in gnomAD. At this time, the clinical significance of this variant is uncertain due to the absence of conclusive functional and genetic evidence.